The following is an entry in ClinVar:

NM_001376013.1(EPB41):c.2143C>T (p.Arg715Ter)

Gene: EPB41 (erythrocyte membrane protein band 4.1; plus strand). Cytogenetic location: 1p35.3.
Variant type: single nucleotide variant.
Coding change: c.2143C>T on transcript NM_001376013.1 (MANE Select); coding-DNA position 2143, C replaced by T.
Protein change: p.Arg715Ter; replaces arginine 715 with a stop codon.
Molecular consequence: nonsense.
Genome position (GRCh38, 1-based): chr1:29,065,117, C>T. VCF-style: chr1-29065117-C-T. GRCh37 (hg19) VCF-style: chr1-29391629-C-T.
Other names: c.1351C>T, p.Arg451Ter (NM_001376028.1); c.1417C>T, p.Arg473Ter (NM_004437.4); c.1474C>T, p.Arg492Ter (NM_203342.3); c.1876C>T, p.Arg626Ter (NM_203343.3); c.2143C>T, p.Arg715Ter (NM_001166005.2, NM_001376016.1, NM_001376017.1 and 1 more transcripts); c.2101C>T, p.Arg701Ter (NM_001166006.2); c.1354C>T, p.Arg452Ter (NM_001166007.2, NM_001376027.1); c.2038C>T, p.Arg680Ter (NM_001376014.1, NM_001376015.1); and 4 more; short protein forms R452*, R473*, R506*, R680*, R451*, R714*, R715*, R470*.
Identifiers: ClinVar variation 2779958 (VCV002779958.4), dbSNP rs2548660142, ClinGen allele CA339527293.
Genomic context (GRCh38, chr1:29,065,117, plus strand): 5'-TCTGTACCAGAACCACGGCCTAGTGAATGGGATAAACGCTTATCCACTCACTCACCCTTC[C>T]GAACTCTTAACATCAATGGGCAAATCCCCACAGGAGAAGGAGTGAGTACTTTGTCCACAT-3'

ClinVar aggregate classification (germline): Pathogenic. Review status: criteria provided, multiple submitters, no conflicts (2 of 4 stars). 2 submissions from 2 submitters: Pathogenic (2). Last evaluated 2024-05-29.

Conditions:
Elliptocytosis 1 (EL1). Also called: PROTEIN 4.1 OF ERYTHROCYTE MEMBRANE, DEFECT OF; 4.1- TRAIT; 4.1-MINUS TRAIT; ELLIPTOCYTOSIS, RHESUS-LINKED TYPE. Identifiers: Orphanet 288, MedGen C2678497, MONDO:0012731, OMIM 611804.

Submissions (2):

Revvity Omics, Revvity
Classification: Pathogenic for Elliptocytosis 1. Last evaluated: 2024-05-29. Review status: criteria provided, single submitter. Criteria: ACMG Guidelines, 2015. Collection method: clinical testing. Allele origin: germline.

Labcorp Genetics (formerly Invitae), Labcorp
Classification: Pathogenic. Last evaluated: 2023-12-18. Review status: criteria provided, single submitter. Criteria: Invitae Variant Classification Sherloc (09022015). Collection method: clinical testing. Allele origin: germline.
Comment: This sequence change creates a premature translational stop signal (p.Arg473*) in the EPB41 gene. It is expected to result in an absent or disrupted protein product. Loss-of-function variants in EPB41 are known to be pathogenic (PMID: 21839655, 27551681, 27667160, 33942936). This variant is not present in population databases (gnomAD no frequency). This premature translational stop signal has been observed in individual(s) with elliptocytosis (PMID: 33074480). This variant is also known as c.1474C>T (p.Arg492Ter). For these reasons, this variant has been classified as Pathogenic.

Literature cited by the submitters: PubMed 21839655 (cited by Labcorp Genetics (formerly Invitae), Labcorp); PubMed 27551681 (cited by Labcorp Genetics (formerly Invitae), Labcorp); PubMed 27667160 (cited by Labcorp Genetics (formerly Invitae), Labcorp); PubMed 33942936 (cited by Labcorp Genetics (formerly Invitae), Labcorp); PubMed 33074480 (cited by Labcorp Genetics (formerly Invitae), Labcorp).